The following is an entry in ClinVar:

ClinVar aggregate classification (germline): Uncertain significance (1 of 4 stars; one submission).

Conditions:
Intellectual disability, autosomal recessive 53 (NEDHSCA). Also called: GLYCOSYLPHOSPHATIDYLINOSITOL BIOSYNTHESIS DEFECT 13; Mental retardation, autosomal recessive 53; NEURODEVELOPMENTAL DISORDER WITH OR WITHOUT HYPOTONIA, SEIZURES, AND CEREBELLAR ATROPHY. Identifiers: Orphanet 488635, MedGen C4310794, MONDO:0014832, OMIM 616917.

Allele frequency attached by ClinVar (database versions not stated): gnomAD exomes below 0.00001; TOPMed 0.00001.
gnomAD v4.1: 1 of 1,613,248 alleles (0.000062%); highest among the groups gnomAD compares: African/African-American, 0.0013%; no homozygotes.

Submission:

Labcorp Genetics (formerly Invitae), Labcorp
Classification: Uncertain significance for Intellectual disability, autosomal recessive 53. Last evaluated: 2022-07-26. Review status: criteria provided, single submitter. Criteria: Invitae Variant Classification Sherloc (09022015). Collection method: clinical testing. Allele origin: germline.
Comment: In summary, the available evidence is currently insufficient to determine the role of this variant in disease. Therefore, it has been classified as a Variant of Uncertain Significance. Algorithms developed to predict the effect of missense changes on protein structure and function (SIFT, PolyPhen-2, Align-GVGD) all suggest that this variant is likely to be tolerated. ClinVar contains an entry for this variant (Variation ID: 1425968). This variant has not been reported in the literature in individuals affected with PIGG-related conditions. This variant is not present in population databases (gnomAD no frequency). This sequence change replaces phenylalanine, which is neutral and non-polar, with leucine, which is neutral and non-polar, at codon 787 of the PIGG protein (p.Phe787Leu).

NM_001127178.3(PIGG):c.2361C>A (p.Phe787Leu)

Gene: PIGG (phosphatidylinositol glycan anchor biosynthesis class G (EMM blood group); plus strand). Cytogenetic location: 4p16.3.
Variant type: single nucleotide variant.
Coding change: c.2361C>A on transcript NM_001127178.3 (MANE Select); coding-DNA position 2361, C replaced by A.
Protein change: p.Phe787Leu; replaces phenylalanine 787 with leucine.
Molecular consequence: missense variant. On other transcripts: non-coding transcript variant (6).
Genome position (GRCh38, 1-based): chr4:530,535, C>A. VCF-style: chr4-530535-C-A. GRCh37 (hg19) VCF-style: chr4-524324-C-A.
Other names: c.2094C>A, p.Phe698Leu (NM_001289051.2, NM_001345986.2); c.1962C>A, p.Phe654Leu (NM_001289052.2); c.2070C>A, p.Phe690Leu (NM_001345987.2); c.1332C>A, p.Phe444Leu (NM_001345988.2); c.828C>A, p.Phe276Leu (NM_001345990.2, NM_001345991.2); c.1263C>A, p.Phe421Leu (NM_001345994.2); c.2337C>A, p.Phe779Leu (NM_017733.5); short protein forms F444L, F690L, F787L, F276L, F654L, F421L, F698L, F779L.
Identifiers: ClinVar variation 1425968 (VCV001425968.11), dbSNP rs1486646970, ClinGen allele CA355909923.